The following is an entry in ClinVar:

ClinVar aggregate classification (germline): Pathogenic. Review status: criteria provided, multiple submitters, no conflicts (2 of 4 stars). 8 submissions from 8 submitters: Pathogenic (8). Last evaluated 2026-03-10.

Conditions:
ERCC2-related disorder. Also called: ERCC2-related conditions; ERCC2-related condition; ERCC2-related disorders. Identifiers: MedGen CN239291.
Cerebrooculofacioskeletal syndrome 2 (COFS2). Identifiers: MedGen C1853102, MONDO:0012553, OMIM 610756.
Trichothiodystrophy 1, photosensitive (TTD1). Also called: TAY SYNDROME; TRICHOTHIODYSTROPHY WITH CONGENITAL ICHTHYOSIS; PIBIDS SYNDROME. Identifiers: Orphanet 33364, MedGen C1866504, MONDO:0011125, OMIM 601675.
Xeroderma pigmentosum, group D (XPD). Also called: XERODERMA PIGMENTOSUM, COMPLEMENTATION GROUP D; XERODERMA PIGMENTOSUM IV; XP, GROUP D; XP, GROUP H; ERCC2-Related Xeroderma Pigmentosum. Identifiers: MedGen C0268138, MONDO:0010212, OMIM 278730.
Xeroderma pigmentosum (XP). Identifiers: Orphanet 910, MedGen C0043346, MONDO:0019600.

Allele frequency attached by ClinVar (database versions not stated): gnomAD exomes below 0.00001 and 0.00004; TOPMed 0.00001; gnomAD 0.00002; 1000 Genomes Project 30x 0.00031.

Submissions (8):

PreventionGenetics, part of Exact Sciences
Classification: Pathogenic for ERCC2-related condition. Last evaluated: 2026-03-10. Review status: criteria provided, single submitter. Criteria: ACMG Guidelines, 2015. Collection method: clinical testing. Allele origin: germline.
Comment: The ERCC2 c.2005delA variant is predicted to result in a frameshift and premature protein termination (p.Arg669Glyfs*40). This variant has been reported in the compound heterozygous state in one individual with xeroderma pigmentosum (Broughton et al. 1995. PubMed ID: 7825573, reported as “-A deletion at 2083”). This variant has also been reported in one individual with medulloblastoma as a germline variant (Waszak et al. 2018. PubMed ID: 29753700). Protein-truncating variants in the ERCC2 gene have been documented to be causative for xeroderma pigmentosum and trichothiodystrophy (Human Gene Mutation Database). This variant is reported in 0.00088% of alleles in individuals of European (Non-Finnish) descent in gnomAD. Frameshift variants in ERCC2 are expected to be pathogenic. This variant is interpreted as pathogenic.

Labcorp Genetics (formerly Invitae), Labcorp
Classification: Pathogenic. Last evaluated: 2025-11-28. Review status: criteria provided, single submitter. Criteria: Invitae Variant Classification Sherloc (09022015). Collection method: clinical testing. Allele origin: germline.
Comment: This sequence change creates a premature translational stop signal (p.Arg669Glyfs*40) in the ERCC2 gene. It is expected to result in an absent or disrupted protein product. Loss-of-function variants in ERCC2 are known to be pathogenic (PMID: 9238033, 11335038, 19085937, 19934020). This variant is present in population databases (no rsID available, gnomAD 0.0009%). This premature translational stop signal has been observed in individual(s) with clinical features of xeroderma pigmentosum and Cockayne syndrome (PMID: 7825573). ClinVar contains an entry for this variant (Variation ID: 445466). For these reasons, this variant has been classified as Pathogenic.

GeneDx
Classification: Pathogenic. Last evaluated: 2025-07-21. Review status: criteria provided, single submitter. Criteria: GeneDx Variant Classification Process June 2021. Collection method: clinical testing. Allele origin: germline. Affected: yes.
Comment: Frameshift variant predicted to result in protein truncation or nonsense mediated decay in a gene for which loss-of-function is a known mechanism of disease; Observed in a patient with medulloblastoma (PMID: 29753700); Not observed at significant frequency in large population cohorts (gnomAD); Also known as c.2083delA; This variant is associated with the following publications: (PMID: 7825573, 29753700)

Myriad Genetics, Inc.
Classification: Pathogenic for ERCC2-related disorder. Last evaluated: 2025-02-21. Review status: criteria provided, single submitter. Criteria: Myriad Autosomal Dominant, Autosomal Recessive and X-Linked Classification Criteria (2023). Collection method: clinical testing. Allele origin: unknown.
Comment: NM_000400.3(ERCC2):c.2005delA(R669Gfs*40) is a frameshift variant classified as pathogenic in the context of ERCC2-related disorders. R669Gfs*40 has been observed in a case with relevant disease (PMID: 7825573). Relevant functional assessments of this variant are not available in the literature. R669Gfs*40 has been observed in referenced population frequency databases. In summary, NM_000400.3(ERCC2):c.2005delA(R669Gfs*40) is a frameshift variant that has been observed more frequently in cases with the relevant disease than in healthy populations. Please note: this variant was assessed in the context of healthy population screening.

Fulgent Genetics
Classification: Pathogenic for Xeroderma pigmentosum, group D; Trichothiodystrophy 1, photosensitive; Cerebrooculofacioskeletal syndrome 2. Last evaluated: 2024-03-22. Review status: criteria provided, single submitter. Criteria: ACMG Guidelines, 2015. Collection method: clinical testing. Allele origin: germline.

Women's Health and Genetics/Laboratory Corporation of America, LabCorp
Classification: Pathogenic for Xeroderma pigmentosum. Last evaluated: 2024-03-13. Review status: criteria provided, single submitter. Criteria: LabCorp Variant Classification Summary - May 2015. Collection method: clinical testing. Allele origin: germline.
Comment: Variant summary: ERCC2 c.2005delA (p.Arg669GlyfsX40) results in a premature termination codon, predicted to cause a truncation of the encoded protein or absence of the protein due to nonsense mediated decay, which are commonly known mechanisms for disease. The variant allele was found at a frequency of 4e-06 in 251388 control chromosomes. c.2005delA (also referred to as a deletion of adenine at base 2083) has been reported in the literature in at least one individual belonging to Xeroderma Pigmentosum Complementation Group D with clinical features of Xeroderma Pigmentosum and Cockayne Syndrome (e.g. Broughton_1995). To our knowledge, no experimental evidence demonstrating an impact on protein function has been reported. The following publication has been ascertained in the context of this evaluation (PMID: 7825573). ClinVar contains an entry for this variant (Variation ID: 445466). Based on the evidence outlined above, the variant was classified as pathogenic.

Baylor Genetics
Classification: Pathogenic for Cerebrooculofacioskeletal syndrome 2. Last evaluated: 2024-02-20. Review status: criteria provided, single submitter. Criteria: ACMG Guidelines, 2015. Collection method: clinical testing. Allele origin: unknown.

Center for Pediatric Genomic Medicine, Children's Mercy Hospital and Clinics
Classification: Pathogenic. Last evaluated: 2017-03-29. Review status: criteria provided, single submitter. Criteria: ACMG Guidelines, 2015. Collection method: clinical testing. Allele origin: germline.

Literature cited by the submitters: PubMed 9238033 (cited by Labcorp Genetics (formerly Invitae), Labcorp); PubMed 11335038 (cited by Labcorp Genetics (formerly Invitae), Labcorp); PubMed 19085937 (cited by Labcorp Genetics (formerly Invitae), Labcorp); PubMed 19934020 (cited by Labcorp Genetics (formerly Invitae), Labcorp); PubMed 7825573 (cited by 3 submitters).

NM_000400.4(ERCC2):c.2005del (p.Arg669fs)

Gene: ERCC2 (ERCC excision repair 2, TFIIH core complex helicase subunit; minus strand). Cytogenetic location: 19q13.32.
Variant type: Deletion.
Coding change: c.2005del on transcript NM_000400.4 (MANE Select); coding-DNA position 2005, one base deleted (A; older notation c.2005delA).
Protein change: p.Arg669fs; shifts the reading frame from arginine 669.
Molecular consequence: frameshift variant.
Genome position (GRCh38, 1-based): chr19:45,352,547, T deleted on the plus strand (A on the coding strand, the reverse complement: ERCC2 is on the minus strand). VCF-style (leftmost placement, unchanged base first): chr19-45352546-CT-C. GRCh37 (hg19) VCF-style: chr19-45855804-CT-C.
Other names: c.2005delA (NM_000400.3, NM_000400.4); c.2005del (NM_000400.3); short protein forms R669fs.
Identifiers: ClinVar variation 445466 (VCV000445466.20), dbSNP rs1233791234, ClinGen allele CA633479933.